The following is an entry in ClinVar:

ClinVar aggregate classification (germline): Benign. Review status: criteria provided, multiple submitters, no conflicts (2 of 4 stars). 2 submissions from 2 submitters: Benign (2). Last evaluated 2025-06-04.

Allele frequency attached by ClinVar (database versions not stated): gnomAD exomes 0.00073; 1000 Genomes Project 30x 0.00458; gnomAD 0.00474 and 0.00500; TOPMed 0.00530; 1000 Genomes Project 0.00556.

Submissions (2):

Athena Diagnostics
Classification: Benign. Last evaluated: 2025-06-04. Review status: criteria provided, single submitter. Criteria: Athena Diagnostics Criteria. Collection method: clinical testing. Allele origin: unknown.
Comment: The frequency of this variant in the general population is higher than would generally be expected for pathogenic variants in this gene. This variant has been seen where an alternate explanation for disease was also identified.

GeneDx
Classification: Benign. Last evaluated: 2016-05-17. Review status: criteria provided, single submitter. Criteria: GeneDx Variant Classification (06012015). Collection method: clinical testing. Allele origin: germline. Affected: yes.
Comment: This variant is considered likely benign or benign based on one or more of the following criteria: it is a conservative change, it occurs at a poorly conserved position in the protein, it is predicted to be benign by multiple in silico algorithms, and/or has population frequency not consistent with disease.

NM_000166.6(GJB1):c.-77G>A

Gene: GJB1 (gap junction protein beta 1; plus strand). Cytogenetic location: Xq13.1.
Variant type: single nucleotide variant.
Coding change: c.-77G>A on transcript NM_000166.6 (MANE Select); 77 bases upstream of the start codon, G replaced by A.
Molecular consequence: 5 prime UTR variant. On other transcripts: intron variant (1).
Genome position (GRCh38, 1-based): chrX:71,223,275, G>A. VCF-style: chrX-71223275-G-A. GRCh37 (hg19) VCF-style: chrX-70443125-G-A.
Other names: c.-16-417G>A (NM_001097642.3).
Identifiers: ClinVar variation 384473 (VCV000384473.2), dbSNP rs190676487, ClinGen allele CA16608578.
Genomic context (GRCh38, chrX:71,223,275, plus strand): 5'-CCCAGCACCGGGCGGTGATGAATTGGGACGCAGGCGCGGAGCCCAGGGACCACTCCCCCT[G>A]CACAGACATGAGACCATAGGGGACCTGTCTGGGTGGCCTCAGGGATAGGCGCTCCCCAAG-3'